The following is an entry in ClinVar:

ClinVar aggregate classification (germline): Pathogenic (1 of 4 stars; one submission).

Submission:

Labcorp Genetics (formerly Invitae), Labcorp
Classification: Pathogenic. Last evaluated: 2025-02-17. Review status: criteria provided, single submitter. Criteria: Invitae Variant Classification Sherloc (09022015). Collection method: clinical testing. Allele origin: germline.
Comment: This sequence change creates a premature translational stop signal (p.Tyr2858*) in the COL7A1 gene. It is expected to result in an absent or disrupted protein product. Loss-of-function variants in COL7A1 are known to be pathogenic (PMID: 16971478). This variant is not present in population databases (gnomAD no frequency). This variant has not been reported in the literature in individuals affected with COL7A1-related conditions. ClinVar contains an entry for this variant (Variation ID: 2028336). For these reasons, this variant has been classified as Pathogenic.

Literature cited by the submitters: PubMed 16971478.

NM_000094.4(COL7A1):c.8574T>G (p.Tyr2858Ter)

Gene: COL7A1 (collagen type VII alpha 1 chain; minus strand). Cytogenetic location: 3p21.31.
Variant type: single nucleotide variant.
Coding change: c.8574T>G on transcript NM_000094.4 (MANE Select); coding-DNA position 8574, T replaced by G.
Protein change: p.Tyr2858Ter; replaces tyrosine 2858 with a stop codon.
Molecular consequence: nonsense.
Genome position (GRCh38, 1-based): chr3:48,565,155, A>C on the plus strand (T>G on the coding strand, the complement: COL7A1 is on the minus strand). VCF-style: chr3-48565155-A-C. GRCh37 (hg19) VCF-style: chr3-48602588-A-C.
Other names: short protein forms Y2858*.
Identifiers: ClinVar variation 2028336 (VCV002028336.4), dbSNP rs2530799433, ClinGen allele CA352634045.